The following is an entry in ClinVar:

ClinVar aggregate classification (germline): Uncertain significance (1 of 4 stars; one submission).

Conditions:
Immunodeficiency 35 (IMD35). Also called: HIES WITH ATYPICAL MYCOBACTERIOSIS, AUTOSOMAL RECESSIVE; HYPER-IgE SYNDROME WITH ATYPICAL MYCOBACTERIOSIS, AUTOSOMAL RECESSIVE; Susceptibility to infection due to TYK2 deficiency; TYK2 DEFICIENCY. Identifiers: Orphanet 331226, MedGen C1969086, MONDO:0012682, OMIM 611521.

Submission:

Labcorp Genetics (formerly Invitae), Labcorp
Classification: Uncertain significance for Immunodeficiency 35. Last evaluated: 2024-08-08. Review status: criteria provided, single submitter. Criteria: Invitae Variant Classification Sherloc (09022015). Collection method: clinical testing. Allele origin: germline.
Comment: This sequence change replaces serine, which is neutral and polar, with glycine, which is neutral and non-polar, at codon 723 of the TYK2 protein (p.Ser723Gly). This variant is not present in population databases (gnomAD no frequency). This variant has not been reported in the literature in individuals affected with TYK2-related conditions. Advanced modeling of protein sequence and biophysical properties (such as structural, functional, and spatial information, amino acid conservation, physicochemical variation, residue mobility, and thermodynamic stability) has been performed at Invitae for this missense variant, however the output from this modeling did not meet the statistical confidence thresholds required to predict the impact of this variant on TYK2 protein function. In summary, the available evidence is currently insufficient to determine the role of this variant in disease. Therefore, it has been classified as a Variant of Uncertain Significance.

NM_003331.5(TYK2):c.2167A>G (p.Ser723Gly)

Gene: TYK2 (tyrosine kinase 2; minus strand). Cytogenetic location: 19p13.2.
Variant type: single nucleotide variant.
Coding change: c.2167A>G on transcript NM_003331.5 (MANE Select); coding-DNA position 2167, A replaced by G.
Protein change: p.Ser723Gly; replaces serine 723 with glycine.
Molecular consequence: missense variant.
Genome position (GRCh38, 1-based): chr19:10,359,183, T>C on the plus strand (A>G on the coding strand, the complement: TYK2 is on the minus strand). VCF-style: chr19-10359183-T-C. GRCh37 (hg19) VCF-style: chr19-10469859-T-C.
Other names: c.2167A>G, p.Ser723Gly (NM_001385197.1, NM_001385198.1, NM_001385200.1 and 3 more transcripts); c.1981A>G, p.Ser661Gly (NM_001385199.1); c.1969A>G, p.Ser657Gly (NM_001385201.1); c.2083A>G, p.Ser695Gly (NM_001385202.1); c.2077A>G, p.Ser693Gly (NM_001385205.1); c.2041A>G, p.Ser681Gly (NM_001385206.1); c.2149A>G, p.Ser717Gly (NM_001385207.1); short protein forms S657G, S661G, S681G, S693G, S695G, S717G, S723G.
Identifiers: ClinVar variation 3617829 (VCV003617829.2).
Genomic context (GRCh38, chr19:10,359,183, plus strand): 5'-TGGGCTCCTGGCCCTCCCTGACCGACCCAGGCCCCACACACAGGCCACACACCAGGTAGC[T>C]GAGGGCGCTGGCCAGCTGCTGGGCCACCACCATCTTCCAAGCCATGGGCACATGGCCCCG-3'
Protein context (NP_003322.3, residues 713-733): VVAQQLASAL[Ser723Gly]YLENKNLVHG